The following is an entry in ClinVar:

NM_001365536.1(SCN9A):c.2517+1G>C

Genes: SCN9A (sodium voltage-gated channel alpha subunit 9; minus strand), SCN1A-AS1 (SCN1A and SCN9A antisense RNA 1; plus strand). Cytogenetic location: 2q24.3.
Variant type: single nucleotide variant.
Coding change: c.2517+1G>C on transcript NM_001365536.1 (MANE Select); the canonical splice donor site of the intron after coding-DNA position 2517, G replaced by C.
Molecular consequence: splice donor variant.
Genome position (GRCh38, 1-based): chr2:166,278,139, C>G on the plus strand (G>C on the coding strand, the complement: SCN9A is on the minus strand). VCF-style: chr2-166278139-C-G. GRCh37 (hg19) VCF-style: chr2-167134649-C-G.
Other names: c.2484+1G>C (NM_002977.4).
Identifiers: ClinVar variation 1065969 (VCV001065969.7), dbSNP rs560913943, ClinGen allele CA1944261.

ClinVar aggregate classification (germline): Likely pathogenic (1 of 4 stars; one submission).

Conditions:
Generalized epilepsy with febrile seizures plus, type 7 (GEFSP7). Also called: GEFS+, TYPE 7. Identifiers: Orphanet 36387, MedGen C2751778, MONDO:0013470, OMIM 613863.
Neuropathy, hereditary sensory and autonomic, type 2A (HSAN2A). Also called: ACROOSTEOLYSIS, GIACCAI TYPE; ACROOSTEOLYSIS, NEUROGENIC; WNK1-Related HSAN2 (HSAN2A); HSAN IIA; MORVAN DISEASE; NEUROPATHY, CONGENITAL SENSORY. Identifiers: Orphanet 970, MedGen C2752089, MONDO:0024309, OMIM 201300.

Allele frequency attached by ClinVar (database versions not stated): gnomAD exomes below 0.00001; TOPMed below 0.00001; ExAC 0.00001; gnomAD 0.00001; 1000 Genomes Project 30x 0.00016; 1000 Genomes Project 0.00020.
gnomAD v4.1: 2 of 1,609,938 alleles (0.00012%); highest among the groups gnomAD compares: African/African-American, 0.0027%; no homozygotes.

Submission:

Labcorp Genetics (formerly Invitae), Labcorp
Classification: Likely pathogenic for Neuropathy, hereditary sensory and autonomic, type 2A; Generalized epilepsy with febrile seizures plus, type 7. Last evaluated: 2020-06-29. Review status: criteria provided, single submitter. Criteria: Invitae Variant Classification Sherloc (09022015). Collection method: clinical testing. Allele origin: germline.
Comment: In summary, the currently available evidence indicates that the variant is pathogenic, but additional data are needed to prove that conclusively. Therefore, this variant has been classified as Likely Pathogenic. Donor and acceptor splice site variants typically lead to a loss of protein function (PMID: 16199547), and loss-of-function variants in SCN9A are known to be pathogenic (PMID: 17470132, 19304393). Algorithms developed to predict the effect of sequence changes on RNA splicing suggest that this variant may disrupt the consensus splice site, but this prediction has not been confirmed by published transcriptional studies. This variant has not been reported in the literature in individuals with SCN9A-related conditions. This variant is present in population databases (rs560913943, ExAC 0.01%). This sequence change affects a donor splice site in intron 15 of the SCN9A gene. It is expected to disrupt RNA splicing and likely results in an absent or disrupted protein product.

Literature cited by the submitters: PubMed 16199547; PubMed 17470132; PubMed 19304393.